The following is an entry in ClinVar:

NM_001042492.3(NF1):c.3992G>A (p.Ser1331Asn)

Gene: NF1 (neurofibromin 1; plus strand). Cytogenetic location: 17q11.2.
Variant type: single nucleotide variant.
Coding change: c.3992G>A on transcript NM_001042492.3 (MANE Select); coding-DNA position 3992, G replaced by A.
Protein change: p.Ser1331Asn; replaces serine 1331 with asparagine.
Molecular consequence: missense variant.
Genome position (GRCh38, 1-based): chr17:31,249,001, G>A. VCF-style: chr17-31249001-G-A. GRCh37 (hg19) VCF-style: chr17-29576019-G-A.
Other names: c.3992G>A, p.Ser1331Asn (NM_000267.4); short protein forms S1331N.
Identifiers: ClinVar variation 1692333 (VCV001692333.7), dbSNP rs1567858266, ClinGen allele CA398994844.

ClinVar aggregate classification (germline): Conflicting classifications of pathogenicity. Review status: criteria provided, conflicting classifications (1 of 4 stars). 3 submissions from 3 submitters: Uncertain significance (2); Likely benign (1). Last evaluated 2024-06-25.

Conditions:
Hereditary cancer-predisposing syndrome. Also called: Neoplastic Syndromes, Hereditary; Hereditary Cancer Syndrome; Tumor predisposition; Hereditary neoplastic syndrome. Identifiers: Orphanet 140162, MedGen C0027672, MeSH D009386, MONDO:0015356.
Neurofibromatosis, type 1 (NF1). Also called: VON RECKLINGHAUSEN DISEASE; NEUROFIBROMATOSIS, TYPE I, SOMATIC; Peripheral type neurofibromatosis; Neurofibromatosis, type I. Identifiers: Orphanet 636, MedGen C0027831, MONDO:0018975, OMIM 162200. Disease mechanism: loss of function.
Cardiovascular phenotype. Identifiers: MedGen CN230736.

Allele frequency attached by ClinVar (database versions not stated): gnomAD exomes below 0.00001.
gnomAD v4.1: 1 of 1,614,054 alleles (0.000062%); highest among the groups gnomAD compares: Non-Finnish European, 0.000085%; no homozygotes.

Submissions (3):

Ambry Genetics
Classification: Likely benign for Cardiovascular phenotype; Hereditary cancer-predisposing syndrome. Last evaluated: 2024-06-25. Review status: criteria provided, single submitter. Criteria: Ambry Variant Classification Scheme 2023. Collection method: clinical testing. Allele origin: germline.

Labcorp Genetics (formerly Invitae), Labcorp
Classification: Uncertain significance for Neurofibromatosis, type 1. Last evaluated: 2024-01-30. Review status: criteria provided, single submitter. Criteria: Invitae Variant Classification Sherloc (09022015). Collection method: clinical testing. Allele origin: germline.
Comment: This sequence change replaces serine, which is neutral and polar, with asparagine, which is neutral and polar, at codon 1331 of the NF1 protein (p.Ser1331Asn). This variant is not present in population databases (gnomAD no frequency). This variant has not been reported in the literature in individuals affected with NF1-related conditions. ClinVar contains an entry for this variant (Variation ID: 1692333). Advanced modeling of protein sequence and biophysical properties (such as structural, functional, and spatial information, amino acid conservation, physicochemical variation, residue mobility, and thermodynamic stability) performed at Invitae indicates that this missense variant is not expected to disrupt NF1 protein function with a negative predictive value of 95%. In summary, the available evidence is currently insufficient to determine the role of this variant in disease. Therefore, it has been classified as a Variant of Uncertain Significance.

Sema4
Classification: Uncertain significance for Hereditary cancer-predisposing syndrome. Last evaluated: 2021-12-22. Review status: criteria provided, single submitter. Criteria: Sema4 Curation Guidelines. Collection method: curation. Allele origin: germline.
Comment: The NF1 c.3992G>A (p.S1331N) variant has not been reported in the literature to our knowledge. It was not observed in the large and broad cohorts of the Genome Aggregation Database (PMID: 32461654). This variant has not been reported in ClinVar. Functional studies have not been performed, and in silico predictions of the variant's effect on protein function are inconclusive. The evidence is insufficient to meet ACMG/AMP criteria for classifying the variant as benign or pathogenic. Thus, the clinical significance of this variant is currently uncertain.